The following is an entry in ClinVar:

NM_000069.3(CACNA1S):c.1151G>A (p.Gly384Glu)

Gene: CACNA1S (calcium voltage-gated channel subunit alpha1 S; minus strand). Cytogenetic location: 1q32.1.
Variant type: single nucleotide variant.
Coding change: c.1151G>A on transcript NM_000069.3 (MANE Select); coding-DNA position 1151, G replaced by A.
Protein change: p.Gly384Glu; replaces glycine 384 with glutamic acid.
Molecular consequence: missense variant.
Genome position (GRCh38, 1-based): chr1:201,085,031, C>T on the plus strand (G>A on the coding strand, the complement: CACNA1S is on the minus strand). VCF-style: chr1-201085031-C-T. GRCh37 (hg19) VCF-style: chr1-201054159-C-T.
Other names: c.1151G>A (NM_000069.2); short protein forms G384E.
Identifiers: ClinVar variation 1499796 (VCV001499796.11), dbSNP rs201737381, ClinGen allele CA078010.

ClinVar aggregate classification (germline): Uncertain significance. Review status: criteria provided, multiple submitters, no conflicts (2 of 4 stars). 10 submissions from 7 submitters: Uncertain significance (10). Last evaluated 2025-01-16.

Conditions:
Inborn genetic diseases. Identifiers: MedGen C0950123, MeSH D030342.
Thyrotoxic periodic paralysis, susceptibility to, 1 (TTPP1). Identifiers: Orphanet 79102, MedGen C2749982, MONDO:0008570, OMIM 188580.
Hypokalemic periodic paralysis, type 1. Also called: HypoPP; Hypokalemic Periodic Paralysis Type 1 (AD). Identifiers: Orphanet 681, MedGen C3714580, MONDO:0042979, OMIM 170400.
Malignant hyperthermia, susceptibility to, 5 (MHS5). Also called: CACNA1S-Related Malignant Hyperthermia Susceptibility. Identifiers: Orphanet 423, MedGen C1866077, MONDO:0011163, OMIM 601887.
Congenital myopathy 18. Also called: DIHYDROPYRIDINE RECEPTOR CONGENITAL MYOPATHY; DHPR CONGENITAL MYOPATHY; Myopathy, congenital, due to dihydropyridine receptor defect. Identifiers: MedGen C5830283, MONDO:0859514, OMIM 620246.

Allele frequency attached by ClinVar (database versions not stated): gnomAD exomes 0.00001 and 0.00003; ExAC 0.00002; gnomAD 0.00004; TOPMed 0.00004; 1000 Genomes Project 30x 0.00016; 1000 Genomes Project 0.00020.
gnomAD v4.1: 47 of 1,608,994 alleles (0.0029%); highest among the groups gnomAD compares: Non-Finnish European, 0.0038%; no homozygotes.

Submissions (10):

GeneDx
Classification: Uncertain significance. Last evaluated: 2025-01-16. Review status: criteria provided, single submitter. Criteria: GeneDx Variant Classification Process June 2021. Collection method: clinical testing. Allele origin: germline. Affected: yes.
Comment: Reported in a patient with schizophrenia; however, additional clinical information was not included (PMID: 26740555); Not observed at significant frequency in large population cohorts (gnomAD); In silico analysis supports that this missense variant has a deleterious effect on protein structure/function; This variant is associated with the following publications: (PMID: 28719003, 26740555)

All of Us Research Program, National Institutes of Health
Classification: Uncertain significance for Malignant hyperthermia, susceptibility to, 5. Last evaluated: 2023-12-18. Review status: criteria provided, single submitter. Criteria: ACMG Guidelines, 2015. Collection method: clinical testing. Allele origin: germline. Inheritance: Autosomal dominant inheritance. Observed: 10 variant alleles, 10 heterozygotes.
Comment: This missense variant replaces glycine with glutamic acid at codon 384 of the CACNA1S protein. Computational prediction is inconclusive regarding the impact of this variant on protein structure and function (internally defined REVEL score threshold 0.5 < inconclusive < 0.7, PMID: 27666373). To our knowledge, functional studies have not been reported for this variant. This variant has not been reported in individuals affected with CACNA1S-related disorders in the literature. This variant has been identified in 3/279606 chromosomes in the general population by the Genome Aggregation Database (gnomAD). The available evidence is insufficient to determine the role of this variant in disease conclusively. Therefore, this variant is classified as a Variant of Uncertain Significance.

This study involves interpretation of variants in research participants for the purpose of population health screening. Participant phenotype was not available at the time of variant classification. Additional details can be found in publication PMID: 35346344, PMCID: PMC8962531

Color Diagnostics, LLC DBA Color Health
Classification: Uncertain significance for Malignant hyperthermia, susceptibility to, 5. Last evaluated: 2023-10-18. Review status: criteria provided, single submitter. Criteria: ACMG Guidelines, 2015. Collection method: clinical testing. Allele origin: germline.
Comment: This missense variant replaces glycine with glutamic acid at codon 384 of the CACNA1S protein. Computational prediction is inconclusive regarding the impact of this variant on protein structure and function. To our knowledge, functional studies have not been reported for this variant. This variant has not been reported in individuals affected with CACNA1S-related disorders in the literature. This variant has been identified in 3/279606 chromosomes in the general population by the Genome Aggregation Database (gnomAD). The available evidence is insufficient to determine the role of this variant in disease conclusively. Therefore, this variant is classified as a Variant of Uncertain Significance.

Labcorp Genetics (formerly Invitae), Labcorp
Classification: Uncertain significance for Hypokalemic periodic paralysis, type 1; Malignant hyperthermia, susceptibility to, 5. Last evaluated: 2023-10-06. Review status: criteria provided, single submitter. Criteria: Invitae Variant Classification Sherloc (09022015). Collection method: clinical testing. Allele origin: germline.
Comment: This sequence change replaces glycine, which is neutral and non-polar, with glutamic acid, which is acidic and polar, at codon 384 of the CACNA1S protein (p.Gly384Glu). This variant is present in population databases (rs201737381, gnomAD 0.002%). This variant has not been reported in the literature in individuals affected with CACNA1S-related conditions. ClinVar contains an entry for this variant (Variation ID: 1499796). An algorithm developed to predict the effect of missense changes on protein structure and function (PolyPhen-2) suggests that this variant¬¨‚Ä†is likely to be tolerated. In summary, the available evidence is currently insufficient to determine the role of this variant in disease. Therefore, it has been classified as a Variant of Uncertain Significance.

Genome-Nilou Lab
Classification: Uncertain significance for Malignant hyperthermia, susceptibility to, 5. Last evaluated: 2023-04-11. Review status: criteria provided, single submitter. Criteria: ACMG Guidelines, 2015. Collection method: clinical testing. Allele origin: germline. Affected: no.

Genome-Nilou Lab
Classification: Uncertain significance for Thyrotoxic periodic paralysis, susceptibility to, 1. Last evaluated: 2023-04-11. Review status: criteria provided, single submitter. Criteria: ACMG Guidelines, 2015. Collection method: clinical testing. Allele origin: germline. Affected: no.

Genome-Nilou Lab
Classification: Uncertain significance for Congenital myopathy 18. Last evaluated: 2023-04-11. Review status: criteria provided, single submitter. Criteria: ACMG Guidelines, 2015. Collection method: clinical testing. Allele origin: germline. Affected: no.

Genome-Nilou Lab
Classification: Uncertain significance for Hypokalemic periodic paralysis, type 1. Last evaluated: 2023-04-11. Review status: criteria provided, single submitter. Criteria: ACMG Guidelines, 2015. Collection method: clinical testing. Allele origin: germline. Affected: no.

Fulgent Genetics
Classification: Uncertain significance for Hypokalemic periodic paralysis, type 1; Thyrotoxic periodic paralysis, susceptibility to, 1; Malignant hyperthermia, susceptibility to, 5. Last evaluated: 2022-05-18. Review status: criteria provided, single submitter. Criteria: ACMG Guidelines, 2015. Collection method: clinical testing. Allele origin: unknown.

Ambry Genetics
Classification: Uncertain significance for Inborn genetic diseases. Last evaluated: 2021-09-15. Review status: criteria provided, single submitter. Criteria: Ambry Variant Classification Scheme 2023. Collection method: clinical testing. Allele origin: germline.